The following is an entry in ClinVar:

ClinVar aggregate classification (germline): Pathogenic. Review status: reviewed by expert panel (3 of 4 stars). 5 submissions from 5 submitters: Pathogenic (1). 4 of the submissions do not count toward it. Last evaluated 2020-10-28.

Conditions:
Phenylketonuria (PKU). Also called: Phenylketonurias; Phenylketonuria (PKU); OLIGOPHRENIA PHENYLPYRUVICA; FOLLING DISEASE. Identifiers: Orphanet 716, MedGen C0031485, MONDO:0009861, OMIM 261600. Disease mechanism: loss of function.

Submissions (5):

ClinGen PAH Variant Curation Expert Panel
Classification: Pathogenic for Phenylketonuria. Last evaluated: 2020-10-28. Review status: reviewed by expert panel. Criteria: ClinGen PAH ACMG Specifications v1. Collection method: curation. Allele origin: germline. Inheritance: Autosomal recessive inheritance.
Comment: This c.510-2A>G (aka IVS5-2A>G) variant in PAH has been observed in at least one patient with PAH deficiency; BH4 deficiency was ruled out (PMID: 26503515, 23932990, and 19915519). The variant is absent from controls in population databases. This variant in the -2 splice acceptor site of intron 5 results in exon skipping or use of a cryptic splice site. The variant disrupts the reading frame and is predicted to undergo nonsense mediated decay. The variant breaks the splice site in IVS5 according to computational models. In summary, this variant meets criteria to be classified as pathogenic for PAH. PAH-specific ACMG/AMP criteria applied: PVS1, PM2, and PP4_Moderate.

Genomic Medicine Center of Excellence, King Faisal Specialist Hospital and Research Centre
Classification: Pathogenic for Phenylketonuria. Last evaluated: 2024-03-29. Review status: criteria provided, single submitter. Criteria: ACMG Guidelines, 2015. Collection method: clinical testing. Allele origin: germline. Not counted in ClinVar's aggregate classification.

Baylor Genetics
Classification: Pathogenic for Phenylketonuria. Last evaluated: 2023-09-07. Review status: criteria provided, single submitter. Criteria: ACMG Guidelines, 2015. Collection method: clinical testing. Allele origin: unknown. Not counted in ClinVar's aggregate classification.

Women's Health and Genetics/Laboratory Corporation of America, LabCorp
Classification: Likely pathogenic for Phenylketonuria. Last evaluated: 2018-10-05. Review status: criteria provided, single submitter. Criteria: LabCorp Variant Classification Summary - May 2015. Collection method: clinical testing. Allele origin: germline. Not counted in ClinVar's aggregate classification.
Comment: Variant summary: PAH c.510-2A>G is located in a canonical splice-site and is predicted to affect mRNA splicing resulting in a significantly altered protein due to either exon skipping, shortening, or inclusion of intronic material. Several computational tools predict a significant impact on normal splicing: Four predict the variant creates a 3 acceptor site. However, these predictions have yet to be confirmed by functional studies. The variant was absent in 245732 control chromosomes. c.510-2A>G has been reported in the literature in individuals affected with Phenylalanine Hydroxylase Deficiency (Phenylketonuria; Li_2015, Zhu_2017). These data indicate that the variant may be associated with disease. To our knowledge, no experimental evidence demonstrating an impact on protein function has been reported. One clinical diagnostic laboratory has submitted clinical-significance assessments for this variant to ClinVar after 2014 without evidence for independent evaluation. One laboratory classified the variant as pathogenic/likely pathogenic. Based on the evidence outlined above, the variant was classified as likely pathogenic.

Counsyl
Classification: Likely pathogenic for Phenylketonuria. Last evaluated: 2017-05-03. Review status: no assertion criteria provided. Collection method: clinical testing. Allele origin: unknown. Not counted in ClinVar's aggregate classification.

Literature cited by the submitters: PubMed 19915519 (cited by ClinGen PAH Variant Curation Expert Panel); PubMed 23932990 (cited by ClinGen PAH Variant Curation Expert Panel and Counsyl); PubMed 26503515 (cited by 3 submitters); PubMed 28754886 (cited by Women's Health and Genetics/Laboratory Corporation of America, LabCorp).

NM_000277.3(PAH):c.510-2A>G

Gene: PAH (phenylalanine hydroxylase; minus strand). Cytogenetic location: 12q23.2.
Variant type: single nucleotide variant.
Coding change: c.510-2A>G on transcript NM_000277.3 (MANE Select); the canonical splice acceptor site of the intron before coding-DNA position 510, A replaced by G.
Molecular consequence: splice acceptor variant.
Genome position (GRCh38, 1-based): chr12:102,855,334, T>C on the plus strand (A>G on the coding strand, the complement: PAH is on the minus strand). VCF-style: chr12-102855334-T-C. GRCh37 (hg19) VCF-style: chr12-103249112-T-C.
Other names: c.510-2A>G (NM_001354304.2).
Identifiers: ClinVar variation 551658 (VCV000551658.6), dbSNP rs1555204750, ClinGen allele CA16020807.
Genomic context (GRCh38, chr12:102,855,334, plus strand): 5'-CTGTGCCCCATGTTTTCTTTTCTTCCTCCATGTATTCCACTCGAGGGATGGGCTGCCCAC[T>C]AGAATACAGGCACAAAATAGGTGTCTCAAGCAGGGCAGGGGCACAGCAGAACGCAGGTTA-3'